The following is an entry in ClinVar:

ClinVar aggregate classification (germline): Benign (1 of 4 stars; one submission).

Conditions:
Leigh syndrome (NULS). Also called: Leigh's necrotizing encephalopathy; Leigh's disease; Leigh's syndrome; LEIGH SYNDROME, NUCLEAR; Leigh Syndrome (mtDNA deletion); Leigh Disease. Identifiers: Orphanet 506, MedGen C2931891, MONDO:0009723, OMIM 256000.

Submission:

Wong Mito Lab, Molecular and Human Genetics, Baylor College of Medicine
Classification: Benign for Leigh syndrome. Last evaluated: 2019-10-17. Review status: criteria provided, single submitter. Criteria: Modified ACMG Guidelines (Unpublished). Collection method: clinical testing. Allele origin: germline.
Comment: The NC_012920.1:m.13741A>G (YP_003024036.1:p.Thr469Ala) variant in MTND5 gene is interpretated to be a Benign variant based on the modified ACMG guidelines (unpublished). This variant meets the following evidence codes: BS1, BS2, BP4

NC_012920.1(MT-ND5):m.13741A>G

Gene: MT-ND5 (mitochondrially encoded NADH dehydrogenase 5; plus strand).
Variant type: single nucleotide variant.
Genome position: chrM-13741-A-G.
Identifiers: ClinVar variation 693596 (VCV000693596.1), dbSNP rs1603224331, ClinGen allele CA414819317.